The following is an entry in ClinVar:

NM_004958.4(MTOR):c.4687-12dup

Genes: MTOR (mechanistic target of rapamycin kinase; minus strand), MTOR-AS1 (MTOR antisense RNA 1; plus strand). Cytogenetic location: 1p36.22.
Variant type: Duplication.
Coding change: c.4687-12dup on transcript NM_004958.4 (MANE Select); 12 bases into the intron before coding-DNA position 4687, one base duplicated (T; older notation c.4687-12dupT).
Molecular consequence: intron variant.
Genome position (GRCh38, 1-based): chr1:11,145,055, A duplicated on the plus strand (T on the coding strand, the reverse complement: MTOR is on the minus strand); the first of 3 consecutive A bases (chr1:11,145,055-11,145,057); duplicating any one gives the same sequence. VCF-style (leftmost placement, unchanged base first): chr1-11145054-G-GA. GRCh37 (hg19) VCF-style: chr1-11205111-G-GA.
Identifiers: ClinVar variation 698173 (VCV000698173.12), dbSNP rs769363376, ClinGen allele CA589566.

ClinVar aggregate classification (germline): Likely benign. Review status: criteria provided, multiple submitters, no conflicts (2 of 4 stars). 3 submissions from 3 submitters: Likely benign (2). 1 of the submissions does not count toward it. Last evaluated 2024-05-13.

Conditions:
MTOR-related disorder. Also called: MTOR-related condition.

Submissions (3):

Labcorp Genetics (formerly Invitae), Labcorp
Classification: Likely benign. Last evaluated: 2024-05-13. Review status: criteria provided, single submitter. Criteria: Invitae Variant Classification Sherloc (09022015). Collection method: clinical testing. Allele origin: germline.

GeneDx
Classification: Likely benign. Last evaluated: 2020-12-22. Review status: criteria provided, single submitter. Criteria: GeneDx Variant Classification Process June 2021. Collection method: clinical testing. Allele origin: germline. Affected: yes.

PreventionGenetics, part of Exact Sciences
Classification: Likely benign for MTOR-related condition. Last evaluated: 2022-02-09. Review status: no assertion criteria provided. Collection method: clinical testing. Allele origin: germline. Not counted in ClinVar's aggregate classification.
Comment: This variant is classified as likely benign based on ACMG/AMP sequence variant interpretation guidelines (Richards et al. 2015 PMID: 25741868, with internal and published modifications).